The following is an entry in ClinVar:

NM_001348323.3(TRIP12):c.2684G>C (p.Arg895Pro)

Gene: TRIP12 (thyroid hormone receptor interactor 12; minus strand). Cytogenetic location: 2q36.3.
Variant type: single nucleotide variant.
Coding change: c.2684G>C on transcript NM_001348323.3 (MANE Select); coding-DNA position 2684, G replaced by C.
Protein change: p.Arg895Pro; replaces arginine 895 with proline.
Molecular consequence: missense variant.
Genome position (GRCh38, 1-based): chr2:229,804,194, C>G on the plus strand (G>C on the coding strand, the complement: TRIP12 is on the minus strand). VCF-style: chr2-229804194-C-G. GRCh37 (hg19) VCF-style: chr2-230668910-C-G.
Other names: c.2603G>C, p.Arg868Pro (NM_001284214.2, NM_001348315.2); c.2558G>C, p.Arg853Pro (NM_001284215.2, NM_001348316.2, NM_001348317.1 and 1 more transcripts); c.1649G>C, p.Arg550Pro (NM_001284216.2); c.2684G>C, p.Arg895Pro (NM_001348319.1, NM_001348320.2, NM_001348322.1 and 4 more transcripts); c.2687G>C, p.Arg896Pro (NM_001348321.1, NM_001348328.1, NM_001348329.2 and 1 more transcripts); c.2477G>C, p.Arg826Pro (NM_001348331.1); c.2597G>C, p.Arg866Pro (NM_001348332.1); c.2606G>C, p.Arg869Pro (NM_001348333.1); and 1 more; short protein forms R550P, R820P, R826P, R853P, R866P, R868P, R869P, R895P.
Identifiers: ClinVar variation 3384413 (VCV003384413.2).

ClinVar aggregate classification (germline): Uncertain significance (1 of 4 stars; one submission).

Submission:

GeneDx
Classification: Uncertain significance. Last evaluated: 2025-01-21. Review status: criteria provided, single submitter. Criteria: GeneDx Variant Classification Process June 2021. Collection method: clinical testing. Allele origin: germline.
Comment: In silico analysis supports that this missense variant has a deleterious effect on protein structure/function; Has not been previously published as pathogenic or benign to our knowledge